The following is an entry in ClinVar:

NM_001364905.1(LRBA):c.895-11dup

Gene: LRBA (LPS responsive beige-like anchor protein; minus strand). Cytogenetic location: 4q31.3.
Variant type: Duplication.
Coding change: c.895-11dup on transcript NM_001364905.1 (MANE Select); 11 bases into the intron before coding-DNA position 895, one base duplicated (T; older notation c.895-11dupT).
Molecular consequence: intron variant.
Genome position (GRCh38, 1-based): chr4:150,915,738, A duplicated on the plus strand (T on the coding strand, the reverse complement: LRBA is on the minus strand); the first of 6 consecutive A bases (chr4:150,915,738-150,915,743); duplicating any one gives the same sequence. VCF-style (leftmost placement, unchanged base first): chr4-150915737-C-CA. GRCh37 (hg19) VCF-style: chr4-151836889-C-CA.
Other names: p.?; c.895-11dup (NM_001367550.1, NM_006726.5, NM_001199282.3 and 3 more transcripts).
Identifiers: ClinVar variation 1556014 (VCV001556014.10), dbSNP rs762371000, ClinGen allele CA3103724.

ClinVar aggregate classification (germline): Benign/Likely benign. Review status: criteria provided, multiple submitters, no conflicts (2 of 4 stars). 3 submissions from 3 submitters: Benign (1); Likely benign (2). Last evaluated 2025-12-11.

Conditions:
Combined immunodeficiency due to LRBA deficiency. Also called: Common variable immunodeficiency 8, with autoimmunity. Identifiers: Orphanet 445018, MedGen C3553512, MONDO:0013863, OMIM 614700.

Submissions (3):

Mayo Clinic Laboratories, Mayo Clinic
Classification: Likely benign. Last evaluated: 2025-12-11. Review status: criteria provided, single submitter. Criteria: ACMG Guidelines, 2015. Collection method: clinical testing. Allele origin: germline. Observed: 1 variant allele.
Comment: BP4, BP7

Labcorp Genetics (formerly Invitae), Labcorp
Classification: Benign for Combined immunodeficiency due to LRBA deficiency. Last evaluated: 2025-10-23. Review status: criteria provided, single submitter. Criteria: Invitae Variant Classification Sherloc (09022015). Collection method: clinical testing. Allele origin: germline.

Blueprint Genetics
Classification: Likely benign. Last evaluated: 2024-09-27. Review status: criteria provided, single submitter. Criteria: ACMG Guidelines, 2015. Collection method: clinical testing. Allele origin: germline.